The following is an entry in ClinVar:

ClinVar aggregate classification (germline): Uncertain significance (1 of 4 stars; one submission).

Conditions:
Hereditary lymphedema type I (LMPHM1). Also called: Milroy Disease; LYMPHATIC MALFORMATION 1; Nonne-Milroy disease; Congenital hereditary lymphedema; Early onset lymphedema; Hereditary lymphedema 1. Identifiers: Orphanet 79452, MedGen C1704423, MONDO:0007919, OMIM 153100.

Allele frequency attached by ClinVar (database versions not stated): TOPMed below 0.00001.

Submission:

Centre for Mendelian Genomics, University Medical Centre Ljubljana
Classification: Uncertain significance for Hereditary lymphedema type I. Last evaluated: 2019-08-29. Review status: criteria provided, single submitter. Criteria: ACMG Guidelines, 2015. Collection method: clinical testing. Allele origin: unknown. Affected: yes.
Comment: This variant was classified as: Uncertain significance. The available evidence on this variant's pathogenicity is insufficient or conflicting. The following ACMG criteria were applied in classifying this variant: PM2.

NM_182925.5(FLT4):c.3610A>G (p.Thr1204Ala)

Gene: FLT4 (fms related receptor tyrosine kinase 4; minus strand). Cytogenetic location: 5q35.3.
Variant type: single nucleotide variant.
Coding change: c.3610A>G on transcript NM_182925.5 (MANE Select); coding-DNA position 3610, A replaced by G.
Protein change: p.Thr1204Ala; replaces threonine 1204 with alanine.
Molecular consequence: missense variant.
Genome position (GRCh38, 1-based): chr5:180,611,407, T>C on the plus strand (A>G on the coding strand, the complement: FLT4 is on the minus strand). VCF-style: chr5-180611407-T-C. GRCh37 (hg19) VCF-style: chr5-180038407-T-C.
Other names: c.3610A>G, p.Thr1204Ala (NM_001354989.2, NM_002020.5); short protein forms T1204A.
Identifiers: ClinVar variation 930555 (VCV000930555.3), dbSNP rs1189576922, ClinGen allele CA362498921.